The following is an entry in ClinVar:

ClinVar aggregate classification (germline): Uncertain significance (1 of 4 stars; one submission).

Conditions:
Developmental and epileptic encephalopathy, 2 (DEE2). Also called: INFANTILE SPASM SYNDROME, X-LINKED 2; CDKL5 deficiency disorder. Identifiers: Orphanet 1934, Orphanet 3451, Orphanet 505652, MedGen C4750718, MONDO:0010396, OMIM 300672.
Angelman syndrome-like. Identifiers: MedGen CN128785.

Submission:

Labcorp Genetics (formerly Invitae), Labcorp
Classification: Uncertain significance for Developmental and epileptic encephalopathy, 2; Angelman syndrome-like. Last evaluated: 2022-06-04. Review status: criteria provided, single submitter. Criteria: Invitae Variant Classification Sherloc (09022015). Collection method: clinical testing. Allele origin: germline.
Comment: In summary, the available evidence is currently insufficient to determine the role of this variant in disease. Therefore, it has been classified as a Variant of Uncertain Significance. Advanced modeling of protein sequence and biophysical properties (such as structural, functional, and spatial information, amino acid conservation, physicochemical variation, residue mobility, and thermodynamic stability) performed at Invitae indicates that this missense variant is not expected to disrupt CDKL5 protein function. This variant has not been reported in the literature in individuals affected with CDKL5-related conditions. This variant is not present in population databases (gnomAD no frequency). This sequence change replaces alanine, which is neutral and non-polar, with threonine, which is neutral and polar, at codon 953 of the CDKL5 protein (p.Ala953Thr).

NC_000023.11:g.18650469G>A

Genes: CDKL5 (cyclin dependent kinase like 5; plus strand), RS1 (retinoschisin 1; minus strand). Cytogenetic location: Xp22.13.
Variant type: single nucleotide variant.
Molecular consequence: intron variant (on NM_000330.4). On other transcripts: missense variant (2).
Genome position: GRCh38 VCF-style: chrX-18650469-G-A. GRCh37 (hg19) VCF-style: chrX-18668589-G-A.
Other names: c.2857G>A, p.Ala953Thr (NM_001037343.2, NM_003159.3); c.185-3137C>T (NM_000330.4); short protein forms A953T.
Identifiers: ClinVar variation 1957329 (VCV001957329.5), dbSNP rs767312604, ClinGen allele CA412373300.